The following is an entry in ClinVar:

NM_024675.4(PALB2):c.2641_2654del (p.Gly881fs)

Gene: PALB2 (partner and localizer of BRCA2; minus strand). Cytogenetic location: 16p12.2.
Variant type: Deletion.
Coding change: c.2641_2654del on transcript NM_024675.4 (MANE Select); coding-DNA positions 2641 to 2654, 14 bases deleted (GGTTGTAAAGAGCC).
Protein change: p.Gly881fs; shifts the reading frame from glycine 881.
Molecular consequence: frameshift variant. On other transcripts: intron variant (3).
Genome position (GRCh38, 1-based): chr16:23,626,330-23,626,343, GGCTCTTTACAACC deleted on the plus strand (GGTTGTAAAGAGCC on the coding strand, the reverse complement: PALB2 is on the minus strand); deleting any 14 consecutive bases within chr16:23,626,330-23,626,351 gives the same sequence; the c. name uses the placement nearest the transcript's 3' end. VCF-style (leftmost placement, unchanged base first): chr16-23626329-TGGCTCTTTACAACC-T. GRCh37 (hg19) VCF-style: chr16-23637650-TGGCTCTTTACAACC-T.
Other names: c.2581_2594del, p.Gly861fs (NM_001407296.1); c.2569_2582del, p.Gly857fs (NM_001407297.1); c.2641_2654del, p.Gly881fs (NM_001407299.1, NM_001407300.1, NM_001407301.1); c.1756_1769del, p.Gly586fs (NM_001407304.1, NM_001407305.1, NM_001407306.1 and 4 more transcripts); c.853_866del, p.Gly285fs (NM_001407312.1, NM_001407313.1); c.175_188del, p.Gly59fs (NM_001407314.1); c.2587-2249_2587-2236del (NM_001407302.1, NM_001407298.1); c.1702-2249_1702-2236del (NM_001407307.1); short protein forms G285fs, G586fs, G59fs, G857fs, G861fs, G881fs.
Identifiers: ClinVar variation 2674133 (VCV002674133.1), dbSNP rs2506372150, ClinGen allele CA2695197616.

ClinVar aggregate classification (germline): Pathogenic (1 of 4 stars; one submission).

Conditions:
Familial cancer of breast. Also called: Hereditary breast cancer; BREAST CANCER, FAMILIAL; hereditary breast carcinoma. Identifiers: Orphanet 227535, MedGen C0346153, MONDO:0016419, OMIM 114480. Disease mechanism: loss of function.

Submission:

Myriad Genetics, Inc.
Classification: Pathogenic for Familial cancer of breast. Last evaluated: 2023-09-13. Review status: criteria provided, single submitter. Criteria: Myriad Autosomal Dominant, Autosomal Recessive and X-Linked Classification Criteria (2023). Collection method: clinical testing. Allele origin: unknown.
Comment: This variant is considered pathogenic. This variant creates a frameshift predicted to result in premature protein truncation.